The following is an entry in ClinVar:

ClinVar aggregate classification (germline): Likely pathogenic (1 of 4 stars; one submission).

Submission:

Labcorp Genetics (formerly Invitae), Labcorp
Classification: Likely pathogenic. Last evaluated: 2022-03-04. Review status: criteria provided, single submitter. Criteria: Invitae Variant Classification Sherloc (09022015). Collection method: clinical testing. Allele origin: germline.
Comment: This variant has not been reported in the literature in individuals affected with TULP1-related conditions. This variant results in a copy number gain of the genomic region encompassing exon(s) 12-13 of the TULP1 gene. While the exact position of this variant cannot be determined from the data, sub-genic copy number gains are generally in tandem (PMID: 25640679). This variant is predicted to be out-of-frame, and may result in an absent or disrupted protein product. Loss-of-function variants in TULP1 are known to be pathogenic (PMID: 8606774, 10549638, 15024725, 18055821). In summary, the currently available evidence indicates that the variant is pathogenic, but additional data are needed to prove that conclusively. Therefore, this variant has been classified as Likely Pathogenic.

Literature cited by the submitters: PubMed 25640679; PubMed 8606774; PubMed 10549638; PubMed 15024725; PubMed 18055821.

NC_000006.11:g.(?_35471316)_(35471645_?)dup

Gene: TULP1 (TUB like protein 1; minus strand). Cytogenetic location: 6p21.31.
Variant type: Duplication.
Identifiers: ClinVar variation 2424670 (VCV002424670.4).